The following is an entry in ClinVar:

ClinVar aggregate classification (germline): Benign (1 of 4 stars; one submission).

Conditions:
Neurodegeneration with brain iron accumulation 4 (NBIA4). Also called: MITOCHONDRIAL PROTEIN-ASSOCIATED NEURODEGENERATION. Identifiers: Orphanet 289560, MedGen C3280371, MONDO:0013674, OMIM 614298. Disease mechanism: loss of function.

Allele frequency attached by ClinVar (database versions not stated): 1000 Genomes Project 0.15116; 1000 Genomes Project 30x 0.15881; gnomAD exomes 0.08079 and 0.07675; ExAC 0.11265; gnomAD 0.16068 and 0.15369; TOPMed 0.16620.

Submission:

Illumina Laboratory Services, Illumina
Classification: Benign for Neurodegeneration with brain iron accumulation 4. Last evaluated: 2018-01-13. Review status: criteria provided, single submitter. Criteria: ICSL Variant Classification Criteria 13 December 2019. Collection method: clinical testing. Allele origin: germline.
Comment: This variant was observed in the ICSL laboratory as part of a predisposition screen in an ostensibly healthy population. It had not been previously curated by ICSL or reported in the Human Gene Mutation Database (HGMD: prior to June 1st, 2018), and was therefore a candidate for classification through an automated scoring system. Utilizing variant allele frequency, disease prevalence and penetrance estimates, and inheritance mode, an automated score was calculated to assess if this variant is too frequent to cause the disease. Based on the score and internal cut-off values, a variant classified as benign is not then subjected to further curation. The score for this variant resulted in a classification of benign for this disease.

NM_001031726.3(C19orf12):c.*3819T>G

Gene: C19orf12 (chromosome 19 open reading frame 12; minus strand). Cytogenetic location: 19q12.
Variant type: single nucleotide variant.
Coding change: c.*3819T>G on transcript NM_001031726.3; 3819 bases downstream of the stop codon, T replaced by G.
Molecular consequence: 3 prime UTR variant (on NM_001282929.1).
Genome position (GRCh38, 1-based): chr19:29,698,893, A>C on the plus strand (T>G on the coding strand, the complement: C19orf12 is on the minus strand). VCF-style: chr19-29698893-A-C. GRCh37 (hg19) VCF-style: chr19-30189800-A-C.
Other names: c.*3819T>G (NM_001282929.1).
Identifiers: ClinVar variation 328652 (VCV000328652.7), dbSNP rs11879584, ClinGen allele CA9351600.
Genomic context (GRCh38, chr19:29,698,893, plus strand): 5'-TAGAGCAAGACTCCGTCTCAAAAAAAAAAAAAAAAAAAAAAAAAAAAGCTGCGTACTTTT[A>C]AATCCAGCAATTTCACTTTGAGGAATGAATCCCAAAGACTATATACCAGAATTCAATAAA-3'